The following is an entry in ClinVar:

ClinVar aggregate classification (germline): Uncertain significance (1 of 4 stars; one submission).

Submission:

GeneDx
Classification: Uncertain significance. Last evaluated: 2023-06-09. Review status: criteria provided, single submitter. Criteria: GeneDx Variant Classification Process June 2021. Collection method: clinical testing. Allele origin: germline. Affected: yes.
Comment: Not observed at significant frequency in large population cohorts (gnomAD); In silico analysis supports that this missense variant does not alter protein structure/function; Has not been previously published as pathogenic or benign to our knowledge

NM_001042750.2(STAG2):c.3306G>A (p.Met1102Ile)

Gene: STAG2 (STAG2 cohesin complex component; plus strand). Cytogenetic location: Xq25.
Variant type: single nucleotide variant.
Coding change: c.3306G>A on transcript NM_001042750.2 (MANE Select); coding-DNA position 3306, G replaced by A.
Protein change: p.Met1102Ile; replaces methionine 1102 with isoleucine.
Molecular consequence: missense variant.
Genome position (GRCh38, 1-based): chrX:124,090,603, G>A. VCF-style: chrX-124090603-G-A. GRCh37 (hg19) VCF-style: chrX-123224453-G-A.
Other names: c.3306G>A, p.Met1102Ile (NM_001042749.2, NM_001042751.2, NM_001282418.2 and 13 more transcripts); short protein forms M1102I.
Identifiers: ClinVar variation 3359692 (VCV003359692.1).